The following is an entry in ClinVar:

ClinVar aggregate classification (germline): Uncertain significance (1 of 4 stars; one submission).

Conditions:
MELAS syndrome (MELAS). Also called: Juvenile myopathy, encephalopathy, lactic acidosis, stroke. Identifiers: Orphanet 550, MedGen C0162671, MONDO:0010789, OMIM 540000.

Submission:

Wong Mito Lab, Molecular and Human Genetics, Baylor College of Medicine
Classification: Uncertain significance for MELAS syndrome. Last evaluated: 2019-07-12. Review status: criteria provided, single submitter. Criteria: Modified ACMG Guidelines (Unpublished). Collection method: clinical testing. Allele origin: germline.
Comment: The NC_012920.1:m.8358A>G variant in MT-TK gene is interpreted to be a Unknown Significance variant based on the modified ACMG guidelines (unpublished). This variant meets the following evidence codes reported in the guidelines: BS4, PM10, PP3, PP7

Literature cited by the submitters: PubMed 31965079.

NC_012920.1(MT-TK):m.8358A>G

Gene: MT-TK (mitochondrially encoded tRNA lysine; plus strand).
Variant type: single nucleotide variant.
Genome position: chrM-8358-A-G.
Identifiers: ClinVar variation 690082 (VCV000690082.1), dbSNP rs1603221421, ClinGen allele CA913179087.
Genomic context (GRCh38, chrMT:8,358, plus strand): 5'-TGTAAAGCTAACTTAGCATTAACCTTTTAAGTTAAAGATTAAGAGAACCAACACCTCTTT[A>G]CAGTGAAATGCCCCAACTAAATACTACCGTATGGCCCACCATAATTACCCCCATACTCCT-3'